The following is an entry in ClinVar:

NM_005591.4(MRE11):c.1994+1G>A

Gene: MRE11 (MRE11 double strand break repair nuclease; minus strand). Cytogenetic location: 11q21.
Variant type: single nucleotide variant.
Coding change: c.1994+1G>A on transcript NM_005591.4 (MANE Select); the canonical splice donor site of the intron after coding-DNA position 1994, G replaced by A.
Molecular consequence: splice donor variant.
Genome position (GRCh38, 1-based): chr11:94,435,831, C>T on the plus strand (G>A on the coding strand, the complement: MRE11 is on the minus strand). VCF-style: chr11-94435831-C-T. GRCh37 (hg19) VCF-style: chr11-94168997-C-T.
Other names: c.1991+1G>A (NM_001330347.2); c.1910+1G>A (NM_005590.4).
Identifiers: ClinVar variation 2786656 (VCV002786656.3), dbSNP rs2496208006, ClinGen allele CA382374009.
Genomic context (GRCh38, chr11:94,435,831, plus strand): 5'-AATTCTGGATAATTTTTAATTTTTTTCAGATGTTTCTTTTGCAGAAAATCACTGCACCTA[C>T]CTTTGATCTGTCTTTGAAGTGGTAGGAAAAATGTCTTCTTCCACATCTGATTCATCTACC-3'

ClinVar aggregate classification (germline): Likely pathogenic (1 of 4 stars; one submission).

Conditions:
Ataxia-telangiectasia-like disorder (ATLD). Identifiers: MedGen C1858391, MONDO:0011457.

Allele frequency attached by ClinVar (database versions not stated): gnomAD exomes below 0.00001.
gnomAD v4.1: 1 of 1,612,150 alleles (0.000062%); highest among the groups gnomAD compares: Non-Finnish European, 0.000085%; no homozygotes.

Submission:

Labcorp Genetics (formerly Invitae), Labcorp
Classification: Likely pathogenic for Ataxia-telangiectasia-like disorder. Last evaluated: 2023-03-02. Review status: criteria provided, single submitter. Criteria: Invitae Variant Classification Sherloc (09022015). Collection method: clinical testing. Allele origin: germline.
Comment: This sequence change affects a donor splice site in intron 18 of the MRE11 gene. It is expected to disrupt RNA splicing. Variants that disrupt the donor or acceptor splice site typically lead to a loss of protein function (PMID: 16199547), and loss-of-function variants in MRE11 are known to be pathogenic (PMID: 23080121, 23912341). This variant is not present in population databases (gnomAD no frequency). This variant has not been reported in the literature in individuals affected with MRE11-related conditions. Algorithms developed to predict the effect of sequence changes on RNA splicing suggest that this variant may disrupt the consensus splice site. In summary, the currently available evidence indicates that the variant is pathogenic, but additional data are needed to prove that conclusively. Therefore, this variant has been classified as Likely Pathogenic.

Literature cited by the submitters: PubMed 16199547; PubMed 23080121; PubMed 23912341.